The following is an entry in ClinVar:

ClinVar aggregate classification (germline): Uncertain significance (1 of 4 stars; one submission).

Conditions:
Dyskeratosis congenita, autosomal dominant 6 (DKCA6). Identifiers: Orphanet 3322, MedGen C4225284, MONDO:0014690, OMIM 616553.

Submission:

Labcorp Genetics (formerly Invitae), Labcorp
Classification: Uncertain significance for Dyskeratosis congenita, autosomal dominant 6. Last evaluated: 2022-11-14. Review status: criteria provided, single submitter. Criteria: Invitae Variant Classification Sherloc (09022015). Collection method: clinical testing. Allele origin: germline.
Comment: This variant has not been reported in the literature in individuals affected with ACD-related conditions. This variant is not present in population databases (gnomAD no frequency). This sequence change replaces leucine, which is neutral and non-polar, with glutamine, which is neutral and polar, at codon 29 of the ACD protein (p.Leu29Gln). Algorithms developed to predict the effect of missense changes on protein structure and function are either unavailable or do not agree on the potential impact of this missense change (SIFT: "Deleterious"; PolyPhen-2: "Benign"; Align-GVGD: "Class C0"). In summary, the available evidence is currently insufficient to determine the role of this variant in disease. Therefore, it has been classified as a Variant of Uncertain Significance.

NC_000016.10:g.67660393A>T

Genes: ACD (ACD shelterin complex subunit and telomerase recruitment factor; minus strand), LOC130059224 (ATAC-STARR-seq lymphoblastoid silent region 7617; plus strand). Cytogenetic location: 16q22.1.
Variant type: single nucleotide variant.
Genome position: GRCh38 VCF-style: chr16-67660393-A-T. GRCh37 (hg19) VCF-style: chr16-67694296-A-T.
Identifiers: ClinVar variation 3006723 (VCV003006723.3), dbSNP rs755492638, ClinGen allele CA396359855.